The following is an entry in ClinVar:

NM_015100.4(POGZ):c.2382T>C (p.His794=)

Gene: POGZ (pogo transposable element derived with ZNF domain; minus strand). Cytogenetic location: 1q21.3.
Variant type: single nucleotide variant.
Coding change: c.2382T>C on transcript NM_015100.4 (MANE Select); coding-DNA position 2382, T replaced by C.
Protein change: p.His794=; no amino-acid change (histidine 794 retained).
Molecular consequence: synonymous variant.
Genome position (GRCh38, 1-based): chr1:151,407,285, A>G on the plus strand (T>C on the coding strand, the complement: POGZ is on the minus strand). VCF-style: chr1-151407285-A-G. GRCh37 (hg19) VCF-style: chr1-151379761-A-G.
Other names: c.2355T>C, p.His785= (NM_001194937.2); c.2196T>C, p.His732= (NM_001194938.2); c.2403T>C, p.His801= (NM_001410860.1); c.2097T>C, p.His699= (NM_145796.4); c.2223T>C, p.His741= (NM_207171.2).
Identifiers: ClinVar variation 4983297 (VCV004983297.1).
Genomic context (GRCh38, chr1:151,407,285, plus strand): 5'-TTTTTCTTACCTCACAGAATTTTTAAACAAAGCCAAATACTTGGGGCTCTTCCGTGGAAC[A>G]TGATTGCTGAGAAAGACAAAGAAGTGGTATGAGTTACGGAGTTCTGCTGGCTAAGCTAGA-3'
Protein context (NP_055915.2, residues 784-804): RAYANHMINN[His794=]VPRKSPKYLA

ClinVar aggregate classification (germline): Likely benign (1 of 4 stars; one submission).

Conditions:
POGZ-related disorder. Also called: POGZ-related condition.

gnomAD v4.1: 1 of 1,608,282 alleles (0.000062%); highest among the groups gnomAD compares: Non-Finnish European, 0.000085%; no homozygotes.

Submission:

PreventionGenetics, part of Exact Sciences
Classification: Likely benign for POGZ-related condition. Last evaluated: 2025-07-01. Review status: criteria provided, single submitter. Criteria: ACMG Guidelines, 2015. Collection method: clinical testing. Allele origin: germline.
Comment: This variant is classified as likely benign based on ACMG/AMP sequence variant interpretation guidelines (Richards et al. 2015 PMID: 25741868, with internal and published modifications).